The following is an entry in ClinVar:

NM_000051.4(ATM):c.8652A>C (p.Glu2884Asp)

Genes: ATM (ATM serine/threonine kinase; plus strand), C11orf65 (chromosome 11 open reading frame 65; minus strand). Cytogenetic location: 11q22.3.
Variant type: single nucleotide variant.
Coding change: c.8652A>C on transcript NM_000051.4 (MANE Select); coding-DNA position 8652, A replaced by C.
Protein change: p.Glu2884Asp; replaces glutamic acid 2884 with aspartic acid.
Molecular consequence: missense variant. On other transcripts: intron variant (2).
Genome position (GRCh38, 1-based): chr11:108,347,346, A>C. VCF-style: chr11-108347346-A-C. GRCh37 (hg19) VCF-style: chr11-108218073-A-C.
Other names: c.8652A>C, p.Glu2884Asp (NM_001351834.2); c.641-38275T>G (NM_001330368.2); c.695-12054T>G (NM_001351110.2); short protein forms E2884D.
Identifiers: ClinVar variation 1947453 (VCV001947453.4), dbSNP rs2137084203, ClinGen allele CA382521126.

ClinVar aggregate classification (germline): Uncertain significance. Review status: criteria provided, multiple submitters, no conflicts (2 of 4 stars). 2 submissions from 2 submitters: Uncertain significance (2). Last evaluated 2025-12-11.

Conditions:
Ataxia-telangiectasia syndrome (AT). Also called: Ataxia-telangiectasia, complementation group D; AT, COMPLEMENTATION GROUP C; ATAXIA-TELANGIECTASIA, COMPLEMENTATION GROUP A; ATAXIA-TELANGIECTASIA, FRESNO VARIANT; Ataxia-telangiectasia, complementation group E; LOUIS-BAR SYNDROME. Identifiers: Orphanet 100, MedGen C0004135, MONDO:0008840, OMIM 208900.
Hereditary cancer-predisposing syndrome. Also called: Tumor predisposition; Hereditary Cancer Syndrome; Hereditary neoplastic syndrome; Neoplastic Syndromes, Hereditary. Identifiers: Orphanet 140162, MedGen C0027672, MeSH D009386, MONDO:0015356.

Allele frequency attached by ClinVar (database versions not stated): gnomAD exomes below 0.00001.
gnomAD v4.1: 1 of 1,606,108 alleles (0.000062%); highest among the groups gnomAD compares: Non-Finnish European, 0.000085%; no homozygotes.

Submissions (2):

Ambry Genetics
Classification: Uncertain significance for Hereditary cancer-predisposing syndrome. Last evaluated: 2025-12-11. Review status: criteria provided, single submitter. Criteria: Ambry Variant Classification Scheme 2023. Collection method: clinical testing. Allele origin: germline.
Comment: The p.E2884D variant (also known as c.8652A>C), located in coding exon 58 of the ATM gene, results from an A to C substitution at nucleotide position 8652. The glutamic acid at codon 2884 is replaced by aspartic acid, an amino acid with highly similar properties. This amino acid position is highly conserved in available vertebrate species. In addition, the in silico prediction for this alteration is inconclusive. Based on the available evidence, the clinical significance of this variant remains unclear.

Labcorp Genetics (formerly Invitae), Labcorp
Classification: Uncertain significance for Ataxia-telangiectasia syndrome. Last evaluated: 2022-05-09. Review status: criteria provided, single submitter. Criteria: Invitae Variant Classification Sherloc (09022015). Collection method: clinical testing. Allele origin: germline.
Comment: In summary, the available evidence is currently insufficient to determine the role of this variant in disease. Therefore, it has been classified as a Variant of Uncertain Significance. Advanced modeling of protein sequence and biophysical properties (such as structural, functional, and spatial information, amino acid conservation, physicochemical variation, residue mobility, and thermodynamic stability) performed at Invitae indicates that this missense variant is expected to disrupt ATM protein function. This variant has not been reported in the literature in individuals affected with ATM-related conditions. This variant is not present in population databases (gnomAD no frequency). This sequence change replaces glutamic acid, which is acidic and polar, with aspartic acid, which is acidic and polar, at codon 2884 of the ATM protein (p.Glu2884Asp).